The following is an entry in ClinVar:

ClinVar aggregate classification (germline): Benign/Likely benign. Review status: criteria provided, multiple submitters, no conflicts (2 of 4 stars). 2 submissions from 2 submitters: Benign (1); Likely benign (1). Last evaluated 2025-12-02.

Allele frequency attached by ClinVar (database versions not stated): gnomAD 0.00002 and 0.00041; ESP Exome Variant Server 0.00008; TOPMed 0.00013; ExAC 0.00178; 1000 Genomes Project 30x 0.00234; 1000 Genomes Project 0.00280.
gnomAD v4.1: 1,332 of 1,596,694 alleles (0.083%); highest among the groups gnomAD compares: South Asian, 1.4%; 26 homozygotes.

Submissions (2):

Labcorp Genetics (formerly Invitae), Labcorp
Classification: Benign. Last evaluated: 2025-12-02. Review status: criteria provided, single submitter. Criteria: Invitae Variant Classification Sherloc (09022015). Collection method: clinical testing. Allele origin: germline.

GeneDx
Classification: Likely benign. Last evaluated: 2022-01-02. Review status: criteria provided, single submitter. Criteria: GeneDx Variant Classification Process June 2021. Collection method: clinical testing. Allele origin: germline. Affected: yes.
Comment: See Variant Classification Assertion Criteria.

NM_021076.4(NEFH):c.2880G>T (p.Glu960Asp)

Gene: NEFH (neurofilament heavy chain; plus strand). Cytogenetic location: 22q12.2.
Variant type: single nucleotide variant.
Coding change: c.2880G>T on transcript NM_021076.4 (MANE Select); coding-DNA position 2880, G replaced by T.
Protein change: p.Glu960Asp; replaces glutamic acid 960 with aspartic acid.
Molecular consequence: missense variant.
Genome position (GRCh38, 1-based): chr22:29,490,520, G>T. VCF-style: chr22-29490520-G-T. GRCh37 (hg19) VCF-style: chr22-29886509-G-T.
Other names: short protein forms E960D.
Identifiers: ClinVar variation 729351 (VCV000729351.11), dbSNP rs372070551, ClinGen allele CA10174506.